The following is an entry in ClinVar:

ClinVar aggregate classification (germline): Benign. Review status: criteria provided, multiple submitters, no conflicts (2 of 4 stars). 2 submissions from 2 submitters: Benign (2). Last evaluated 2018-01-12.

Conditions:
Colorectal cancer, hereditary nonpolyposis, type 7. Identifiers: Orphanet 144, MedGen C1858380, MONDO:0013725, OMIM 614385.

Allele frequency attached by ClinVar (database versions not stated): TOPMed 0.37984; gnomAD 0.39341 and 0.39343; 1000 Genomes Project 0.33526; 1000 Genomes Project 30x 0.33885; gnomAD exomes 0.40025.
gnomAD v4.1: 88,547 of 223,212 alleles (40%); highest among the groups gnomAD compares: Middle Eastern, 48%; 18,500 homozygotes.

Submissions (2):

Illumina Laboratory Services, Illumina
Classification: Benign for Colorectal cancer, hereditary nonpolyposis, type 7. Last evaluated: 2018-01-12. Review status: criteria provided, single submitter. Criteria: ICSL Variant Classification Criteria 13 December 2019. Collection method: clinical testing. Allele origin: germline.
Comment: This variant was observed in the ICSL laboratory as part of a predisposition screen in an ostensibly healthy population. It had not been previously curated by ICSL or reported in the Human Gene Mutation Database (HGMD: prior to June 1st, 2018), and was therefore a candidate for classification through an automated scoring system. Utilizing variant allele frequency, disease prevalence and penetrance estimates, and inheritance mode, an automated score was calculated to assess if this variant is too frequent to cause the disease. Based on the score and internal cut-off values, a variant classified as benign is not then subjected to further curation. The score for this variant resulted in a classification of benign for this disease.

Breakthrough Genomics
Classification: Benign. Review status: criteria provided, single submitter. Criteria: ACMG Guidelines, 2015. Collection method: not provided. Allele origin: germline. Inheritance: Autosomal dominant inheritance. Affected: yes.

NM_001040108.2(MLH3):c.*957C>A

Gene: MLH3 (mutL homolog 3; minus strand). Cytogenetic location: 14q24.3.
Variant type: single nucleotide variant.
Coding change: c.*957C>A on transcript NM_001040108.2 (MANE Select); 957 bases downstream of the stop codon, C replaced by A.
Molecular consequence: 3 prime UTR variant.
Genome position (GRCh38, 1-based): chr14:75,016,125, G>T on the plus strand (C>A on the coding strand, the complement: MLH3 is on the minus strand). VCF-style: chr14-75016125-G-T. GRCh37 (hg19) VCF-style: chr14-75482828-G-T.
Other names: c.*957C>A (NM_014381.3).
Identifiers: ClinVar variation 314365 (VCV000314365.6), dbSNP rs424120, ClinGen allele CA10635337.